The following is an entry in ClinVar:

ClinVar aggregate classification (germline): Benign/Likely benign. Review status: criteria provided, multiple submitters, no conflicts (2 of 4 stars). 2 submissions from 2 submitters: Benign (1); Likely benign (1). Last evaluated 2025-01-10.

Conditions:
Familial cancer of breast. Also called: BREAST CANCER, FAMILIAL; hereditary breast carcinoma; Hereditary breast cancer. Identifiers: Orphanet 227535, MedGen C0346153, MONDO:0016419, OMIM 114480. Disease mechanism: loss of function.

Submissions (2):

Myriad Genetics, Inc.
Classification: Benign for Familial cancer of breast. Last evaluated: 2025-01-10. Review status: criteria provided, single submitter. Criteria: Myriad Autosomal Dominant, Autosomal Recessive and X-Linked Classification Criteria (2023). Collection method: clinical testing. Allele origin: unknown.
Comment: This variant is considered benign. This variant is a silent/synonymous amino acid change and it is not expected to impact splicing.

Labcorp Genetics (formerly Invitae), Labcorp
Classification: Likely benign for Familial cancer of breast. Last evaluated: 2021-12-11. Review status: criteria provided, single submitter. Criteria: Invitae Variant Classification Sherloc (09022015). Collection method: clinical testing. Allele origin: germline.

NM_024675.4(PALB2):c.855A>C (p.Ser285=)

Gene: PALB2 (partner and localizer of BRCA2; minus strand). Cytogenetic location: 16p12.2.
Variant type: single nucleotide variant.
Coding change: c.855A>C on transcript NM_024675.4 (MANE Select); coding-DNA position 855, A replaced by C.
Protein change: p.Ser285=; no amino-acid change (serine 285 retained).
Molecular consequence: synonymous variant. On other transcripts: 5 prime UTR variant (8), intron variant (3).
Genome position (GRCh38, 1-based): chr16:23,635,691, T>G on the plus strand (A>C on the coding strand, the complement: PALB2 is on the minus strand). VCF-style: chr16-23635691-T-G. GRCh37 (hg19) VCF-style: chr16-23647012-T-G.
Other names: c.795A>C, p.Ser265= (NM_001407296.1); c.855A>C, p.Ser285= (NM_001407297.1, NM_001407298.1, NM_001407299.1 and 3 more transcripts); c.-31A>C (NM_001407304.1, NM_001407305.1, NM_001407306.1 and 5 more transcripts); c.48+5419A>C (NM_001407314.1); c.-104-5222A>C (NM_001407313.1, NM_001407312.1).
Identifiers: ClinVar variation 2039809 (VCV002039809.5), dbSNP rs2142432748, ClinGen allele CA494462124.